The following is an entry in ClinVar:

ClinVar aggregate classification (germline): Conflicting classifications of pathogenicity. Review status: criteria provided, conflicting classifications (1 of 4 stars). 5 submissions from 5 submitters: Likely pathogenic (1); Uncertain significance (4). Last evaluated 2025-07-29.

Conditions:
Malignant hyperthermia, susceptibility to, 1 (MHS1). Also called: Malignant hyperthermia suceptibility 1; Anesthesia related hyperthermia; Malignant hyperpyrexia; Fulminating hyperpyrexia; Pharmacogenic myopathy; RYR1-Related Malignant Hyperthermia Susceptibility. Identifiers: Orphanet 423, MedGen C2930980, MONDO:0007783, OMIM 145600.
RYR1-related disorder. Also called: RYR1-related disorders; RYR1-related condition. Identifiers: MedGen CN239331.

Submissions (5):

Color Diagnostics, LLC DBA Color Health
Classification: Uncertain significance for Malignant hyperthermia, susceptibility to, 1. Last evaluated: 2025-07-29. Review status: criteria provided, single submitter. Criteria: ACMG Guidelines, 2015. Collection method: clinical testing. Allele origin: germline.
Comment: This variant causes an in-frame deletion of one amino acid in the RYR1 protein. To our knowledge, functional studies have not been reported for this variant. This variant has not been reported in individuals affected with RYR1-related disorders in the literature. This variant has not been identified in the general population by the Genome Aggregation Database (gnomAD). The available evidence is insufficient to determine the role of this variant in disease conclusively. Therefore, this variant is classified as a Variant of Uncertain Significance.

Labcorp Genetics (formerly Invitae), Labcorp
Classification: Uncertain significance for RYR1-related disorder. Last evaluated: 2024-09-14. Review status: criteria provided, single submitter. Criteria: Invitae Variant Classification Sherloc (09022015). Collection method: clinical testing. Allele origin: germline.
Comment: This variant, c.6226_6228del, results in the deletion of 1 amino acid(s) of the RYR1 protein (p.Lys2076del), but otherwise preserves the integrity of the reading frame. The frequency data for this variant in the population databases is considered unreliable, as metrics indicate poor data quality at this position in the gnomAD database. This variant has not been reported in the literature in individuals affected with RYR1-related conditions. ClinVar contains an entry for this variant (Variation ID: 1983377). Experimental studies and prediction algorithms are not available or were not evaluated, and the functional significance of this variant is currently unknown. In summary, the available evidence is currently insufficient to determine the role of this variant in disease. Therefore, it has been classified as a Variant of Uncertain Significance.

All of Us Research Program, National Institutes of Health
Classification: Uncertain significance for Malignant hyperthermia, susceptibility to, 1. Last evaluated: 2024-08-06. Review status: criteria provided, single submitter. Criteria: ACMG Guidelines, 2015. Collection method: clinical testing. Allele origin: germline. Inheritance: Autosomal dominant inheritance. Observed: 6 variant alleles, 6 heterozygotes.
Comment: This variant causes an in-frame deletion of one amino acid, lysine 2076, from the RYR1 protein. To our knowledge, functional studies have not been reported for this variant. This variant has not been reported in individuals affected with RYR1-related disorders in the literature. This variant has not been identified in the general population by the Genome Aggregation Database (gnomAD). The available evidence is insufficient to determine the role of this variant in disease conclusively. Therefore, this variant is classified as a Variant of Uncertain Significance.

This study involves interpretation of variants in research participants for the purpose of population health screening. Participant phenotype was not available at the time of variant classification. Additional details can be found in publication PMID: 35346344, PMCID: PMC8962531

PreventionGenetics, part of Exact Sciences
Classification: Uncertain significance for RYR1-related condition. Last evaluated: 2023-08-05. Review status: criteria provided, single submitter. Criteria: ACMG Guidelines, 2015. Collection method: clinical testing. Allele origin: germline.
Comment: The RYR1 c.6226_6228delAAG variant is predicted to result in an in-frame deletion (p.Lys2076del). To our knowledge, this variant has not been reported in the literature. This variant is reported in 0.00078% of alleles in individuals of European (Non-Finnish) descent in gnomAD. At this time, the clinical significance of this variant is uncertain due to the absence of conclusive functional and genetic evidence.

GeneDx
Classification: Likely pathogenic. Last evaluated: 2023-02-17. Review status: criteria provided, single submitter. Criteria: GeneDx Variant Classification Process June 2021. Collection method: clinical testing. Allele origin: germline. Affected: yes.
Comment: Not observed at significant frequency in large population cohorts (gnomAD); In-frame deletion of 1 amino acid in a non-repeat region; In silico analysis supports a deleterious effect on protein structure/function; Has not been previously published as pathogenic or benign to our knowledge; This variant is associated with the following publications: (PMID: 12668474)

NM_000540.3(RYR1):c.6220AAG[2] (p.Lys2076del)

Gene: RYR1 (ryanodine receptor 1; plus strand). Cytogenetic location: 19q13.2.
Variant type: Microsatellite.
Coding change: c.6220AAG[2] on transcript NM_000540.3 (MANE Select); two copies in a row of the 3-base unit AAG starting at c.6220; the reference has three copies in a row; one copy, 3 bases deleted; also written c.6226_6228del.
Protein change: p.Lys2076del; deletes lysine 2076.
Molecular consequence: inframe deletion. On other transcripts: inframe indel (1).
Genome position (GRCh38, 1-based): chr19:38,492,588-38,492,590, AAG deleted; deleting any 3 consecutive bases within chr19:38,492,581-38,492,590 gives the same sequence; the position shown is the placement nearest the transcript's 3' end. VCF-style (leftmost placement, unchanged base first): chr19-38492580-TGAA-T. GRCh37 (hg19) VCF-style: chr19-38983220-TGAA-T.
Other names: c.6226_6228del (NM_000540.2, NM_000540.3); c.6220_6222AAG[2], p.Lys2076del (NM_000540.2); c.6220AAG[2], p.Lys2076del (NM_001042723.2); short protein forms K2076del.
Identifiers: ClinVar variation 1983377 (VCV001983377.6), dbSNP rs913794924, ClinGen allele CA308100782.